The following is an entry in ClinVar:

ClinVar aggregate classification (germline): Conflicting classifications of pathogenicity. Review status: criteria provided, conflicting classifications (1 of 4 stars). 7 submissions from 7 submitters: Uncertain significance (1); Benign (1); Likely benign (4). 1 of the submissions does not count toward it. Last evaluated 2025-11-12.

Conditions:
CHD7-related disorder. Also called: CHD7-related condition.
CHARGE syndrome (CHARGE). Also called: Hittner Hirsch Kreh syndrome; Coloboma, heart anomaly, choanal atresia, retardation, genital and ear anomalies; CHARGE association; Hall-Hittner syndrome; CHARGE ASSOCIATION--COLOBOMA, HEART ANOMALY, CHOANAL ATRESIA, RETARDATION, GENITAL AND EAR ANOMALIES. Identifiers: Orphanet 138, MedGen C0265354, MONDO:0008965.
Inborn genetic diseases. Identifiers: MedGen C0950123, MeSH D030342.

Allele frequency attached by ClinVar (database versions not stated): ESP Exome Variant Server 0.00008; gnomAD exomes 0.00011 and 0.00014; gnomAD 0.00012 and 0.00014; ExAC 0.00017; TOPMed 0.00022.
gnomAD v4.1: 231 of 1,613,928 alleles (0.014%); highest among the groups gnomAD compares: Admixed American, 0.037%; no homozygotes.

Submissions (7):

Labcorp Genetics (formerly Invitae), Labcorp
Classification: Likely benign for CHARGE syndrome. Last evaluated: 2025-11-12. Review status: criteria provided, single submitter. Criteria: Invitae Variant Classification Sherloc (09022015). Collection method: clinical testing. Allele origin: germline.

Blueprint Genetics
Classification: Likely benign. Last evaluated: 2024-08-20. Review status: criteria provided, single submitter. Criteria: ACMG Guidelines, 2015. Collection method: clinical testing. Allele origin: germline.

GeneDx
Classification: Likely benign. Last evaluated: 2021-09-08. Review status: criteria provided, single submitter. Criteria: GeneDx Variant Classification Process June 2021. Collection method: clinical testing. Allele origin: germline. Affected: yes.

Ambry Genetics
Classification: Likely benign for Inborn genetic diseases. Last evaluated: 2018-01-09. Review status: criteria provided, single submitter. Criteria: Ambry Variant Classification Scheme 2023. Collection method: clinical testing. Allele origin: germline.

Genetic Services Laboratory, University of Chicago
Classification: Uncertain significance. Last evaluated: 2017-08-04. Review status: criteria provided, single submitter. Criteria: ACMG Guidelines, 2015. Collection method: clinical testing. Allele origin: germline. Affected: no.

Women's Health and Genetics/Laboratory Corporation of America, LabCorp
Classification: Benign. Last evaluated: 2016-10-24. Review status: criteria provided, single submitter. Criteria: LabCorp Variant Classification Summary - May 2015. Collection method: clinical testing. Allele origin: germline.
Comment: Variant summary: The CHD7 c.1326C>A (p.Ala442Ala) variant causes a synonymous change involving a conserved nucleotide with 5/5 splice prediction tools predict no significant impact on normal splicing or alterations to ESE binding, although these predictions have yet to be functionally assessed. The variant of interest was observed in the large, broad control population, ExAC, with an allele frequency of 20/120690 (1/60350), which significantly exceeds the estimated maximal expected allele frequency for a pathogenic CHD7 variant of 1/769230. Therefore, suggesting this variant is likely a benign polymorphism. The variant of interest has not, to our knowledge, been reported in affected individuals via publications and/or reputable databases/clinical diagnostic. Taking all available lines of evidence into consideration, the variant of interest has been classified as Benign.

PreventionGenetics, part of Exact Sciences
Classification: Likely benign for CHD7-related condition. Last evaluated: 2023-05-04. Review status: no assertion criteria provided. Collection method: clinical testing. Allele origin: germline. Not counted in ClinVar's aggregate classification.
Comment: This variant is classified as likely benign based on ACMG/AMP sequence variant interpretation guidelines (Richards et al. 2015 PMID: 25741868, with internal and published modifications).

NM_017780.4(CHD7):c.1326C>A (p.Ala442=)

Gene: CHD7 (chromodomain helicase DNA binding protein 7; plus strand). Cytogenetic location: 8q12.2.
Variant type: single nucleotide variant.
Coding change: c.1326C>A on transcript NM_017780.4 (MANE Select); coding-DNA position 1326, C replaced by A.
Protein change: p.Ala442=; no amino-acid change (alanine 442 retained).
Molecular consequence: synonymous variant.
Genome position (GRCh38, 1-based): chr8:60,742,758, C>A. VCF-style: chr8-60742758-C-A. GRCh37 (hg19) VCF-style: chr8-61655317-C-A.
Other names: c.1326C>A, p.Ala442= (NM_001316690.1).
Identifiers: ClinVar variation 496442 (VCV000496442.24), dbSNP rs370097651, ClinGen allele CA4759469.
Genomic context (GRCh38, chr8:60,742,758, plus strand): 5'-GGAAGTTGGCAGTTATCCAAATATGCCCCATCCTCAGCCATCTCACCAGCCCCCTGGTGC[C>A]ATGGGAATCGGACAGAGGAATATGGGCCCCAGAAACATGCAGCAGTCTCGTCCATTTATA-3'
Protein context (NP_060250.2, residues 432-452): HPQPSHQPPG[Ala442=]MGIGQRNMGP